The following is an entry in ClinVar:

ClinVar aggregate classification (germline): Likely pathogenic (1 of 4 stars; one submission).

Conditions:
Progressive pseudorheumatoid dysplasia (PPRD). Also called: Progressive Pseudorheumatoid Arthropathy of Childhood; SPONDYLOEPIPHYSEAL DYSPLASIA TARDA WITH PROGRESSIVE ARTHROPATHY. Identifiers: Orphanet 1159, MedGen C0432215, MONDO:0008827, OMIM 208230. Disease mechanism: loss of function.

Allele frequency attached by ClinVar (database versions not stated): gnomAD exomes below 0.00001.
gnomAD v4.1: 6 of 1,614,002 alleles (0.00037%); highest among the groups gnomAD compares: Middle Eastern, 0.017%; no homozygotes.

Submission:

Neuberg Centre For Genomic Medicine, NCGM
Classification: Likely pathogenic for Progressive pseudorheumatoid dysplasia. Review status: criteria provided, single submitter. Criteria: ACMG Guidelines, 2015. Collection method: clinical testing. Allele origin: germline. Inheritance: Autosomal recessive inheritance. Affected: yes.
Comment: The observed stop gained c.348C>A(p.Tyr116Ter) variant in CCN6 gene has been reported previously in homozygous state in individual(s) affected with progressive pseudorheumatoid dysplasia (Madhuri et al., 2016). This variant is absent in gnomAD Exomes. This variant is predicted to cause loss of normal protein function either through protein truncation or nonsense-mediated mRNA decay. Loss of function variants have been previously reported to be disease causing. For these reasons, this variant has been classified as Likely Pathogenic.

NM_198239.2(CCN6):c.348C>A (p.Tyr116Ter)

Gene: CCN6 (cellular communication network factor 6; plus strand). Cytogenetic location: 6q21.
Variant type: single nucleotide variant.
Coding change: c.348C>A on transcript NM_198239.2 (MANE Select); coding-DNA position 348, C replaced by A.
Protein change: p.Tyr116Ter; replaces tyrosine 116 with a stop codon.
Molecular consequence: nonsense. On other transcripts: non-coding transcript variant (2).
Genome position (GRCh38, 1-based): chr6:112,064,756, C>A. VCF-style: chr6-112064756-C-A. GRCh37 (hg19) VCF-style: chr6-112385959-C-A.
Other names: c.348C>A, p.Tyr116Ter (NM_003880.4); short protein forms Y116*.
Identifiers: ClinVar variation 3242053 (VCV003242053.1), dbSNP rs1776627236.
Genomic context (GRCh38, chr6:112,064,756, plus strand): 5'-AGGTCTAGACTATCACAGATCATGGCTTCTTTGGCAATTTTGCTCTTTTCTCTTTTCAGA[C>A]CTTGTAGCTGTTGGGTGCGAGTTCAACCAGGTACATTATCATAATGGCCAAGTGTTTCAG-3'